The following is an entry in ClinVar:

ClinVar aggregate classification (germline): Likely benign (0 of 4 stars; one submission).

Conditions:
PLXNA2-related disorder. Also called: PLXNA2-related condition.

Allele frequency attached by ClinVar (database versions not stated): 1000 Genomes Project 30x 0.00016.
gnomAD v4.1: 206 of 1,614,154 alleles (0.013%); highest among the groups gnomAD compares: South Asian, 0.23%; 6 homozygotes.

Submission:

PreventionGenetics, part of Exact Sciences
Classification: Likely benign for PLXNA2-related condition. Last evaluated: 2022-01-27. Review status: no assertion criteria provided. Collection method: clinical testing. Allele origin: germline.
Comment: This variant is classified as likely benign based on ACMG/AMP sequence variant interpretation guidelines (Richards et al. 2015 PMID: 25741868, with internal and published modifications).

NM_025179.4(PLXNA2):c.2767G>C (p.Val923Leu)

Gene: PLXNA2 (plexin A2; minus strand). Cytogenetic location: 1q32.2.
Variant type: single nucleotide variant.
Coding change: c.2767G>C on transcript NM_025179.4 (MANE Select); coding-DNA position 2767, G replaced by C.
Protein change: p.Val923Leu; replaces valine 923 with leucine.
Molecular consequence: missense variant.
Genome position (GRCh38, 1-based): chr1:208,054,510, C>G on the plus strand (G>C on the coding strand, the complement: PLXNA2 is on the minus strand). VCF-style: chr1-208054510-C-G. GRCh37 (hg19) VCF-style: chr1-208227855-C-G.
Other names: short protein forms V923L.
Identifiers: ClinVar variation 3050142 (VCV003050142.2), dbSNP rs765055718, ClinGen allele CA1373405.